The following is an entry in ClinVar:

ClinVar aggregate classification (germline): Uncertain significance. Review status: criteria provided, multiple submitters, no conflicts (2 of 4 stars). 7 submissions from 7 submitters: Uncertain significance (6). 1 of the submissions does not count toward it. Last evaluated 2026-03-02.

Conditions:
Cardiovascular phenotype. Identifiers: MedGen CN230736.
Alstrom syndrome (ALMS). Identifiers: Orphanet 64, MedGen C0268425, MONDO:0008763, OMIM 203800.

Allele frequency attached by ClinVar (database versions not stated): gnomAD exomes below 0.00001 and 0.00002; ExAC 0.00003; gnomAD 0.00004; TOPMed 0.00005; 1000 Genomes Project 30x 0.00016; 1000 Genomes Project 0.00020.
gnomAD v4.1: 11 of 1,614,166 alleles (0.00068%); highest among the groups gnomAD compares: African/African-American, 0.012%; no homozygotes.

Submissions (7):

GeneDx
Classification: Uncertain significance. Last evaluated: 2026-03-02. Review status: criteria provided, single submitter. Criteria: GeneDx Variant Classification Process June 2021. Collection method: clinical testing. Allele origin: germline.
Comment: In silico analysis supports that this missense variant has a deleterious effect on protein structure/function; Has not been previously published as pathogenic or benign to our knowledge

Labcorp Genetics (formerly Invitae), Labcorp
Classification: Uncertain significance for Alstrom syndrome. Last evaluated: 2022-10-17. Review status: criteria provided, single submitter. Criteria: Invitae Variant Classification Sherloc (09022015). Collection method: clinical testing. Allele origin: germline.
Comment: This sequence change replaces cysteine, which is neutral and slightly polar, with glycine, which is neutral and non-polar, at codon 2427 of the ALMS1 protein (p.Cys2427Gly). This variant is present in population databases (rs549778430, gnomAD 0.02%). This variant has not been reported in the literature in individuals affected with ALMS1-related conditions. ClinVar contains an entry for this variant (Variation ID: 1027604). Experimental studies and prediction algorithms are not available or were not evaluated, and the functional significance of this variant is currently unknown. In summary, the available evidence is currently insufficient to determine the role of this variant in disease. Therefore, it has been classified as a Variant of Uncertain Significance.

Ambry Genetics
Classification: Uncertain significance for Cardiovascular phenotype. Last evaluated: 2022-09-12. Review status: criteria provided, single submitter. Criteria: Ambry Variant Classification Scheme 2023. Collection method: clinical testing. Allele origin: germline.
Comment: The p.C2427G variant (also known as c.7279T>G), located in coding exon 8 of the ALMS1 gene, results from a T to G substitution at nucleotide position 7279. The cysteine at codon 2427 is replaced by glycine, an amino acid with highly dissimilar properties. This amino acid position is well conserved in available vertebrate species. In addition, the in silico prediction for this alteration is inconclusive. Since supporting evidence is limited at this time, the clinical significance of this alteration remains unclear.

Fulgent Genetics
Classification: Uncertain significance for Alstrom syndrome. Last evaluated: 2022-02-18. Review status: criteria provided, single submitter. Criteria: ACMG Guidelines, 2015. Collection method: clinical testing. Allele origin: unknown.

Genome-Nilou Lab
Classification: Uncertain significance for Alstrom syndrome. Last evaluated: 2021-07-14. Review status: criteria provided, single submitter. Criteria: ACMG Guidelines, 2015. Collection method: clinical testing. Allele origin: germline. Affected: no.

Women's Health and Genetics/Laboratory Corporation of America, LabCorp
Classification: Uncertain significance. Last evaluated: 2021-03-01. Review status: criteria provided, single submitter. Criteria: LabCorp Variant Classification Summary - May 2015. Collection method: clinical testing. Allele origin: germline.
Comment: Variant summary: ALMS1 c.7273T>G (p.Cys2425Gly, also known as c.7279T>G) results in a non-conservative amino acid change in the encoded protein sequence. Three of five in-silico tools predict a damaging effect of the variant on protein function. The variant allele was found at a frequency of 1.6e-05 in 249412 control chromosomes. The available data on variant occurrences in the general population are insufficient to allow any conclusion about variant significance. To our knowledge, no occurrence of c.7273T>G in individuals affected with Alstrom Syndrome With Dilated Cardiomyopathy and no experimental evidence demonstrating its impact on protein function have been reported. No clinical diagnostic laboratories have submitted clinical-significance assessments for this variant to ClinVar after 2014. Based on the evidence outlined above, the variant was classified as uncertain significance.

Natera, Inc.
Classification: Uncertain significance for Alstrom syndrome. Last evaluated: 2021-05-27. Review status: no assertion criteria provided. Collection method: clinical testing. Allele origin: germline. Not counted in ClinVar's aggregate classification.

NM_001378454.1(ALMS1):c.7276T>G (p.Cys2426Gly)

Gene: ALMS1 (ALMS1 centrosome and basal body associated protein; plus strand). Cytogenetic location: 2p13.1.
Variant type: single nucleotide variant.
Coding change: c.7276T>G on transcript NM_001378454.1 (MANE Select); coding-DNA position 7276, T replaced by G.
Protein change: p.Cys2426Gly; replaces cysteine 2426 with glycine.
Molecular consequence: missense variant.
Genome position (GRCh38, 1-based): chr2:73,453,803, T>G. VCF-style: chr2-73453803-T-G. GRCh37 (hg19) VCF-style: chr2-73680930-T-G.
Other names: c.7279T>G, p.Cys2427Gly (NM_015120.4); short protein forms C2426G, C2427G.
Identifiers: ClinVar variation 1027604 (VCV001027604.15), dbSNP rs549778430, ClinGen allele CA1714205.